The following is an entry in ClinVar:

NM_001853.4(COL9A3):c.652C>T (p.Pro218Ser)

Gene: COL9A3 (collagen type IX alpha 3 chain; plus strand). Cytogenetic location: 20q13.33.
Variant type: single nucleotide variant.
Coding change: c.652C>T on transcript NM_001853.4 (MANE Select); coding-DNA position 652, C replaced by T.
Protein change: p.Pro218Ser; replaces proline 218 with serine.
Molecular consequence: missense variant.
Genome position (GRCh38, 1-based): chr20:62,825,838, C>T. VCF-style: chr20-62825838-C-T. GRCh37 (hg19) VCF-style: chr20-61457190-C-T.
Other names: c.652C>T (NM_001853.3); short protein forms P218S.
Identifiers: ClinVar variation 1513714 (VCV001513714.10), dbSNP rs749010588, ClinGen allele CA9949420.

ClinVar aggregate classification (germline): Uncertain significance. Review status: criteria provided, multiple submitters, no conflicts (2 of 4 stars). 3 submissions from 3 submitters: Uncertain significance (3). Last evaluated 2025-09-22.

Conditions:
Inborn genetic diseases. Identifiers: MedGen C0950123, MeSH D030342.

Allele frequency attached by ClinVar (database versions not stated): gnomAD exomes 0.00001 and 0.00002; TOPMed 0.00001.

Submissions (3):

Labcorp Genetics (formerly Invitae), Labcorp
Classification: Uncertain significance. Last evaluated: 2025-09-22. Review status: criteria provided, single submitter. Criteria: Invitae Variant Classification Sherloc (09022015). Collection method: clinical testing. Allele origin: germline.
Comment: This sequence change replaces proline, which is neutral and non-polar, with serine, which is neutral and polar, at codon 218 of the COL9A3 protein (p.Pro218Ser). This variant is present in population databases (rs749010588, gnomAD 0.004%). This variant has not been reported in the literature in individuals affected with COL9A3-related conditions. ClinVar contains an entry for this variant (Variation ID: 1513714). Invitae Evidence Modeling of protein sequence and biophysical properties (such as structural, functional, and spatial information, amino acid conservation, physicochemical variation, residue mobility, and thermodynamic stability) indicates that this missense variant is not expected to disrupt COL9A3 protein function with a negative predictive value of 95%. In summary, the available evidence is currently insufficient to determine the role of this variant in disease. Therefore, it has been classified as a Variant of Uncertain Significance.

Women's Health and Genetics/Laboratory Corporation of America, LabCorp
Classification: Uncertain significance. Last evaluated: 2024-12-03. Review status: criteria provided, single submitter. Criteria: LabCorp Variant Classification Summary - May 2015. Collection method: clinical testing. Allele origin: germline.
Comment: Variant summary: COL9A3 c.652C>T (p.Pro218Ser) results in a non-conservative amino acid change in the encoded protein sequence. Three of five in-silico tools predict a damaging effect of the variant on protein function. The variant allele was found at a frequency of 1.8e-05 in 164712 control chromosomes. The available data on variant occurrences in the general population are insufficient to allow any conclusion about variant significance. To our knowledge, no occurrence of c.652C>T in individuals affected with Epiphyseal Dysplasia, Multiple, 3 and no experimental evidence demonstrating its impact on protein function have been reported. ClinVar contains an entry for this variant (Variation ID: 1513714). Based on the evidence outlined above, the variant was classified as uncertain significance.

Ambry Genetics
Classification: Uncertain significance for Inborn genetic diseases. Last evaluated: 2024-10-19. Review status: criteria provided, single submitter. Criteria: Ambry Variant Classification Scheme 2023. Collection method: clinical testing. Allele origin: germline.